The following is an entry in ClinVar:

ClinVar aggregate classification (germline): Uncertain significance (1 of 4 stars; one submission).

Conditions:
Saldino-Mainzer syndrome (SRTD9). Also called: CONORENAL SYNDROME; Renal dysplasia, retinal pigmentary dystrophy, cerebellar ataxia and skeletal dysplasia; short-rib thoracic dysplasia 9 with or without polydactyly; SHORT-RIB THORACIC DYSPLASIA 9 WITHOUT POLYDACTYLY. Identifiers: Orphanet 140969, MedGen C1849437, MONDO:0009964, OMIM 266920.

Allele frequency attached by ClinVar (database versions not stated): gnomAD exomes below 0.00001.
gnomAD v4.1: 1 of 1,614,136 alleles (0.000062%); highest among the groups gnomAD compares: Non-Finnish European, 0.000085%; no homozygotes.

Submission:

Labcorp Genetics (formerly Invitae), Labcorp
Classification: Uncertain significance for Saldino-Mainzer syndrome. Last evaluated: 2020-08-05. Review status: criteria provided, single submitter. Criteria: Invitae Variant Classification Sherloc (09022015). Collection method: clinical testing. Allele origin: germline.
Comment: In summary, the available evidence is currently insufficient to determine the role of this variant in disease. Therefore, it has been classified as a Variant of Uncertain Significance. Algorithms developed to predict the effect of missense changes on protein structure and function are either unavailable or do not agree on the potential impact of this missense change (SIFT: "Deleterious"; PolyPhen-2: "Possibly Damaging"; Align-GVGD: "Class C0"). This variant has not been reported in the literature in individuals with IFT140-related conditions. This variant is not present in population databases (ExAC no frequency). This sequence change replaces leucine with histidine at codon 469 of the IFT140 protein (p.Leu469His). The leucine residue is weakly conserved and there is a moderate physicochemical difference between leucine and histidine.

NM_014714.4(IFT140):c.1406T>A (p.Leu469His)

Genes: IFT140 (intraflagellar transport 140; minus strand), LOC105371046 (uncharacterized LOC105371046; plus strand). Cytogenetic location: 16p13.3.
Variant type: single nucleotide variant.
Coding change: c.1406T>A on transcript NM_014714.4 (MANE Select); coding-DNA position 1406, T replaced by A.
Protein change: p.Leu469His; replaces leucine 469 with histidine.
Molecular consequence: missense variant.
Genome position (GRCh38, 1-based): chr16:1,583,340, A>T on the plus strand (T>A on the coding strand, the complement: IFT140 is on the minus strand). VCF-style: chr16-1583340-A-T. GRCh37 (hg19) VCF-style: chr16-1633341-A-T.
Other names: short protein forms L469H.
Identifiers: ClinVar variation 1021507 (VCV001021507.8), dbSNP rs924912054, ClinGen allele CA276679789.